The following is an entry in ClinVar:

NM_001386298.1(CIC):c.237G>A (p.Glu79=)

Gene: CIC (capicua transcriptional repressor; plus strand). Cytogenetic location: 19q13.2.
Variant type: single nucleotide variant.
Coding change: c.237G>A on transcript NM_001386298.1 (MANE Select); coding-DNA position 237, G replaced by A.
Protein change: p.Glu79=; no amino-acid change (glutamic acid 79 retained).
Molecular consequence: synonymous variant.
Genome position (GRCh38, 1-based): chr19:42,272,020, G>A. VCF-style: chr19-42272020-G-A. GRCh37 (hg19) VCF-style: chr19-42776172-G-A.
Other names: c.237G>A, p.Glu79= (NM_001439183.1, NM_001439184.1, NM_001439185.1 and 6 more transcripts).
Identifiers: ClinVar variation 4874310 (VCV004874310.2).

ClinVar aggregate classification (germline): Likely benign (1 of 4 stars; one submission).

Submission:

CeGaT Center for Human Genetics Tuebingen
Classification: Likely benign. Last evaluated: 2026-08-01. Review status: criteria provided, single submitter. Criteria: CeGaT Center For Human Genetics Tuebingen Variant Classification Criteria Version 2. Collection method: clinical testing. Allele origin: germline. Affected: yes. Observed: 3 variant alleles.
Comment: CIC: PM2:Supporting, BP4, BP7